The following is an entry in ClinVar:

NM_001204.7(BMPR2):c.478G>C (p.Val160Leu)

Gene: BMPR2 (bone morphogenetic protein receptor type 2; plus strand). Cytogenetic location: 2q33.2.
Variant type: single nucleotide variant.
Coding change: c.478G>C on transcript NM_001204.7 (MANE Select); coding-DNA position 478, G replaced by C.
Protein change: p.Val160Leu; replaces valine 160 with leucine.
Molecular consequence: missense variant.
Genome position (GRCh38, 1-based): chr2:202,513,778, G>C. VCF-style: chr2-202513778-G-C. GRCh37 (hg19) VCF-style: chr2-203378501-G-C.
Other names: short protein forms V160L.
Identifiers: ClinVar variation 4867577 (VCV004867577.1).

ClinVar aggregate classification (germline): Uncertain significance (1 of 4 stars; one submission).

Conditions:
Inborn genetic diseases. Identifiers: MedGen C0950123, MeSH D030342.

Submission:

Ambry Genetics
Classification: Uncertain significance for Inborn genetic diseases. Last evaluated: 2026-03-17. Review status: criteria provided, single submitter. Criteria: Ambry Variant Classification Scheme 2023. Collection method: clinical testing. Allele origin: germline.
Comment: The p.V160L variant (also known as c.478G>C), located in coding exon 4 of the BMPR2 gene, results from a G to C substitution at nucleotide position 478. The valine at codon 160 is replaced by leucine, an amino acid with highly similar properties. This amino acid position is conserved. In addition, the in silico prediction for this alteration is inconclusive. Based on the available evidence, the clinical significance of this variant remains unclear.